The following is an entry in ClinVar:

ClinVar aggregate classification (germline): Uncertain significance (1 of 4 stars; one submission).

Conditions:
Familial thoracic aortic aneurysm and aortic dissection (TAAD). Also called: Thoracic aortic aneurysms and dissections. Identifiers: Orphanet 91387, MedGen C4707243, MONDO:0019625.

Submission:

Ambry Genetics
Classification: Uncertain significance for Familial thoracic aortic aneurysm and aortic dissection. Last evaluated: 2024-02-06. Review status: criteria provided, single submitter. Criteria: Ambry Variant Classification Scheme 2023. Collection method: clinical testing. Allele origin: germline.
Comment: The p.P1191S variant (also known as c.3571C>T), located in coding exon 22 of the NOTCH1 gene, results from a C to T substitution at nucleotide position 3571. The proline at codon 1191 is replaced by serine, an amino acid with similar properties. This amino acid position is conserved. In addition, this alteration is predicted to be deleterious by in silico analysis. Based on the available evidence, the clinical significance of this alteration remains unclear.

NM_017617.5(NOTCH1):c.3571C>T (p.Pro1191Ser)

Gene: NOTCH1 (notch receptor 1; minus strand). Cytogenetic location: 9q34.3.
Variant type: single nucleotide variant.
Coding change: c.3571C>T on transcript NM_017617.5 (MANE Select); coding-DNA position 3571, C replaced by T.
Protein change: p.Pro1191Ser; replaces proline 1191 with serine.
Molecular consequence: missense variant.
Genome position (GRCh38, 1-based): chr9:136,507,377, G>A on the plus strand (C>T on the coding strand, the complement: NOTCH1 is on the minus strand). VCF-style: chr9-136507377-G-A. GRCh37 (hg19) VCF-style: chr9-139401829-G-A.
Other names: short protein forms P1191S.
Identifiers: ClinVar variation 3226960 (VCV003226960.1), dbSNP rs2540441290, ClinGen allele CA375549886.
Genomic context (GRCh38, chr9:136,507,377, plus strand): 5'-GTGGGCAGGAGCACTTGTAGGTGTTGGGGAGGTCGAGGCAGGTGCCCCCGTTCTGGCAGG[G>A]GTGGGAGAGGCACTCGTCGATCTCCTCAGAGCAGTTCACCCCGTGGTAGCCGGCCACGCA-3'
Protein context (NP_060087.3, residues 1181-1201): SEEIDECLSH[Pro1191Ser]CQNGGTCLDL